The following is an entry in ClinVar:

NM_003235.5(TG):c.4443C>T (p.Tyr1481=)

Gene: TG (thyroglobulin; plus strand). Cytogenetic location: 8q24.22.
Variant type: single nucleotide variant.
Coding change: c.4443C>T on transcript NM_003235.5 (MANE Select); coding-DNA position 4443, C replaced by T.
Protein change: p.Tyr1481=; no amino-acid change (tyrosine 1481 retained).
Molecular consequence: synonymous variant.
Genome position (GRCh38, 1-based): chr8:132,919,440, C>T. VCF-style: chr8-132919440-C-T. GRCh37 (hg19) VCF-style: chr8-133931685-C-T.
Identifiers: ClinVar variation 361961 (VCV000361961.10), dbSNP rs201691879, ClinGen allele CA4884132.

ClinVar aggregate classification (germline): Conflicting classifications of pathogenicity. Review status: criteria provided, conflicting classifications (1 of 4 stars). 3 submissions from 3 submitters: Uncertain significance (1); Likely benign (1). 1 of the submissions does not count toward it. Last evaluated 2024-03-13.

Conditions:
TG-related disorder. Also called: TG-related condition; TG-related disorders.
Iodotyrosyl coupling defect (TDH3). Also called: HYPOTHYROIDISM, CONGENITAL, DUE TO DYSHORMONOGENESIS, 3; THYROID HORMONOGENESIS, GENETIC DEFECT IN, 3. Identifiers: Orphanet 95716, MedGen C0342194, MONDO:0010135, OMIM 274700.

Allele frequency attached by ClinVar (database versions not stated): ExAC 0.00014; gnomAD exomes 0.00016 and 0.00004; 1000 Genomes Project 0.00020; 1000 Genomes Project 30x 0.00031; gnomAD 0.00008 and 0.00009; TOPMed 0.00009.
gnomAD v4.1: 72 of 1,614,136 alleles (0.0045%); highest among the groups gnomAD compares: East Asian, 0.11%; no homozygotes.

Submissions (3):

Labcorp Genetics (formerly Invitae), Labcorp
Classification: Likely benign. Last evaluated: 2024-03-13. Review status: criteria provided, single submitter. Criteria: Invitae Variant Classification Sherloc (09022015). Collection method: clinical testing. Allele origin: germline.

Illumina Laboratory Services, Illumina
Classification: Uncertain significance for Iodotyrosyl coupling defect. Last evaluated: 2018-01-13. Review status: criteria provided, single submitter. Criteria: ICSL Variant Classification Criteria 13 December 2019. Collection method: clinical testing. Allele origin: germline.

PreventionGenetics, part of Exact Sciences
Classification: Likely benign for TG-related condition. Last evaluated: 2021-01-11. Review status: no assertion criteria provided. Collection method: clinical testing. Allele origin: germline. Not counted in ClinVar's aggregate classification.
Comment: This variant is classified as likely benign based on ACMG/AMP sequence variant interpretation guidelines (Richards et al. 2015 PMID: 25741868, with internal and published modifications).